The following is an entry in ClinVar:

ClinVar aggregate classification (germline): Uncertain significance (1 of 4 stars; one submission).

Conditions:
Brugada syndrome. Also called: Sudden Unexplained Death Syndrome; Sudden Unexplained Nocturnal Death Syndrome (SUNDS); Sudden unexpected nocturnal death syndrome; Sudden unexplained nocturnal death syndrome. Identifiers: Orphanet 130, MedGen C1142166, MONDO:0015263.

Allele frequency attached by ClinVar (database versions not stated): 1000 Genomes Project below 0.00001; gnomAD 0.00002; gnomAD exomes 0.00002 and 0.00005; ExAC 0.00004; TOPMed 0.00004; 1000 Genomes Project 30x 0.00016.

Submission:

Labcorp Genetics (formerly Invitae), Labcorp
Classification: Uncertain significance for Brugada syndrome. Last evaluated: 2025-11-19. Review status: criteria provided, single submitter. Criteria: Invitae Variant Classification Sherloc (09022015). Collection method: clinical testing. Allele origin: germline.
Comment: This sequence change affects a donor splice site in intron 15 of the SLMAP gene. It is expected to disrupt RNA splicing. Variants that disrupt the donor or acceptor splice site typically lead to a loss of protein function (PMID: 16199547), however the current clinical and genetic evidence is not sufficient to establish whether loss-of-function variants in SLMAP cause disease. This variant is present in population databases (rs140490085, gnomAD 0.04%), and has an allele count higher than expected for a pathogenic variant. This variant has not been reported in the literature in individuals affected with SLMAP-related conditions. ClinVar contains an entry for this variant (Variation ID: 411198). Algorithms developed to predict the effect of sequence changes on RNA splicing suggest that this variant may disrupt the consensus splice site. In summary, the available evidence is currently insufficient to determine the role of this variant in disease. Therefore, it has been classified as a Variant of Uncertain Significance.

Literature cited by the submitters: PubMed 16199547.

NM_001377540.1(SLMAP):c.1624+1G>T

Gene: SLMAP (sarcolemma associated protein; plus strand). Cytogenetic location: 3p14.3.
Variant type: single nucleotide variant.
Coding change: c.1624+1G>T on transcript NM_001377540.1 (MANE Select); the canonical splice donor site of the intron after coding-DNA position 1624, G replaced by T.
Molecular consequence: splice donor variant. On other transcripts: intron variant (12).
Genome position (GRCh38, 1-based): chr3:57,908,007, G>T. VCF-style: chr3-57908007-G-T. GRCh37 (hg19) VCF-style: chr3-57893734-G-T.
Other names: c.1573+1G>T (NM_001377542.1, NM_001377541.1, NM_001304420.3); c.1451-1069G>T (NM_001377921.1, NM_001377562.1); c.1522+1G>T (NM_001377549.1, NM_007159.5); c.1400-1069G>T (NM_001377923.1); c.1459+1G>T (NM_001377559.1, NM_001377557.1, NM_001304421.2); c.1337-1069G>T (NM_001377925.1); c.175+1G>T (NM_001311178.2, NM_001304422.3); c.53-1069G>T (NM_001377927.1, NM_001377926.1, NM_001311179.2 and 1 more transcripts); and 7 more.
Identifiers: ClinVar variation 411198 (VCV000411198.5), dbSNP rs140490085, ClinGen allele CA2467187.
Genomic context (GRCh38, chr3:57,908,007, plus strand): 5'-AATTGATCGAAGCCCAGGAGCTAGCTAGAACAAGTAAACAAAAATGCTTTGAACTTCAAG[G>T]TGAGATCAAGATTACTTTGGTTCTTTAGGGATGTGTGGAGGCAGCACAATATAATTGGGT-3'